The following is an entry in ClinVar:

ClinVar aggregate classification (germline): Uncertain significance (1 of 4 stars; one submission).

Submission:

GeneDx
Classification: Uncertain significance. Last evaluated: 2024-05-19. Review status: criteria provided, single submitter. Criteria: GeneDx Variant Classification Process June 2021. Collection method: clinical testing. Allele origin: germline. Affected: yes.
Comment: Not observed at significant frequency in large population cohorts (gnomAD); In silico analysis supports that this missense variant has a deleterious effect on protein structure/function; Has not been previously published as pathogenic or benign to our knowledge

NM_001375524.1(TRRAP):c.8255T>G (p.Leu2752Arg)

Gene: TRRAP (transformation/transcription domain associated protein; plus strand). Cytogenetic location: 7q22.1.
Variant type: single nucleotide variant.
Coding change: c.8255T>G on transcript NM_001375524.1 (MANE Select); coding-DNA position 8255, T replaced by G.
Protein change: p.Leu2752Arg; replaces leucine 2752 with arginine.
Molecular consequence: missense variant.
Genome position (GRCh38, 1-based): chr7:98,976,946, T>G. VCF-style: chr7-98976946-T-G. GRCh37 (hg19) VCF-style: chr7-98574569-T-G.
Other names: c.8234T>G, p.Leu2745Arg (NM_001244580.2); c.8180T>G, p.Leu2727Arg (NM_003496.4); short protein forms L2727R, L2745R, L2752R.
Identifiers: ClinVar variation 1311383 (VCV001311383.3), dbSNP rs762832885, ClinGen allele CA368304281.